The following is an entry in ClinVar:

NM_001244008.2(KIF1A):c.3759G>A (p.Pro1253=)

Genes: KIF1A (kinesin family member 1A; minus strand), LOC126806583 (P300/CBP strongly-dependent group 1 enhancer GRCh37_chr2:241678910-241680109; plus strand). Cytogenetic location: 2q37.3.
Variant type: single nucleotide variant.
Coding change: c.3759G>A on transcript NM_001244008.2 (MANE Select); coding-DNA position 3759, G replaced by A.
Protein change: p.Pro1253=; no amino-acid change (proline 1253 retained).
Molecular consequence: synonymous variant.
Genome position (GRCh38, 1-based): chr2:240,740,355, C>T on the plus strand (G>A on the coding strand, the complement: KIF1A is on the minus strand). VCF-style: chr2-240740355-C-T. GRCh37 (hg19) VCF-style: chr2-241679772-C-T.
Other names: c.3456G>A (NM_004321.6); c.3483G>A, p.Pro1161= (NM_001320705.2, NM_001330289.2, NM_001379638.1); c.3558G>A, p.Pro1186= (NM_001330290.2, NM_001379634.1, NM_001379635.1 and 1 more transcripts); c.3834G>A, p.Pro1278= (NM_001379631.1); c.3708G>A, p.Pro1236= (NM_001379632.1); c.3732G>A, p.Pro1244= (NM_001379633.1, NM_001379642.1, NM_001379645.1); c.3456G>A, p.Pro1152= (NM_001379636.1, NM_001379639.1, NM_001379641.1 and 5 more transcripts); c.3531G>A, p.Pro1177= (NM_001379637.1, NM_001379648.1); and 1 more.
Identifiers: ClinVar variation 586100 (VCV000586100.11), dbSNP rs777751073, ClinGen allele CA2207655.
Genomic context (GRCh38, chr2:240,740,355, plus strand): 5'-CACCTGGTGGAGGAGGAAGGTCCCCATGCATGGCATGCCCCCACGGTGGTCCACCACGGC[C>T]GGGATGTAACTGGAAGAGAGAGACACATGTGAGGAGCGGCCAGCCCCTCCTCTCTGCCCT-3'
Protein context (NP_001230937.1, residues 1243-1263): CELEANGDYI[Pro1253=]AVVDHRGGMP

ClinVar aggregate classification (germline): Conflicting classifications of pathogenicity. Review status: criteria provided, conflicting classifications (1 of 4 stars). 3 submissions from 3 submitters: Uncertain significance (1); Likely benign (2). Last evaluated 2025-03-29.

Conditions:
Inborn genetic diseases. Identifiers: MedGen C0950123, MeSH D030342.
Neuropathy, hereditary sensory, type 2C. Also called: KIF1A-Related HSAN2 (HSAN2C); Hereditary sensory and autonomic neuropathy type IIC. Identifiers: Orphanet 970, MedGen C3280168, MONDO:0013634, OMIM 614213.
Intellectual disability, autosomal dominant 9 (NESCAVS). Also called: NESCAV SYNDROME; KIF1A-Related Neurodevelopmental Disorder. Identifiers: Orphanet 662367, MedGen C5393830, MONDO:0013656, OMIM 614255.
Hereditary spastic paraplegia 30. Identifiers: Orphanet 101010, MedGen C5235139, MONDO:0012476.
Spastic paraplegia, autosomal dominant. Also called: Autosomal dominant hereditary spastic paraplegia. Identifiers: MedGen C0751602.

Allele frequency attached by ClinVar (database versions not stated): gnomAD exomes 0.00002 and 0.00003; TOPMed 0.00002; ExAC 0.00004.
gnomAD v4.1: 33 of 1,613,430 alleles (0.002%); highest among the groups gnomAD compares: East Asian, 0.016%; no homozygotes.

Submissions (3):

Labcorp Genetics (formerly Invitae), Labcorp
Classification: Likely benign for Hereditary spastic paraplegia 30; Neuropathy, hereditary sensory, type 2C; Intellectual disability, autosomal dominant 9. Last evaluated: 2025-03-29. Review status: criteria provided, single submitter. Criteria: Invitae Variant Classification Sherloc (09022015). Collection method: clinical testing. Allele origin: germline.

Ambry Genetics
Classification: Likely benign for Inborn genetic diseases. Last evaluated: 2019-07-11. Review status: criteria provided, single submitter. Criteria: Ambry Variant Classification Scheme 2023. Collection method: clinical testing. Allele origin: germline.

Athena Diagnostics
Classification: Uncertain significance. Last evaluated: 2017-12-13. Review status: criteria provided, single submitter. Criteria: Athena Diagnostics Criteria. Collection method: clinical testing. Allele origin: germline.